The following is an entry in ClinVar:

ClinVar aggregate classification (germline): Benign/Likely benign. Review status: criteria provided, multiple submitters, no conflicts (2 of 4 stars). 7 submissions from 7 submitters: Benign (4); Likely benign (2). 1 of the submissions does not count toward it. Last evaluated 2026-01-18.

Conditions:
Maturity-onset diabetes of the young (MODY). Also called: Maturity onset diabetes mellitus in young. Identifiers: Orphanet 552, MedGen C0342276, MONDO:0018911, HP:0004904.
Maturity-onset diabetes of the young type 3. Also called: MODY type 3; MODY, type III. Identifiers: Orphanet 552, MedGen C1838100, MeSH C563933, MONDO:0010894, OMIM 600496. Disease mechanism: loss of function.

Allele frequency attached by ClinVar (database versions not stated): gnomAD 0.00003 and 0.00005; TOPMed 0.00006; gnomAD exomes 0.00019; ExAC 0.00039.
gnomAD v4.1: 207 of 1,601,486 alleles (0.013%); highest among the groups gnomAD compares: East Asian, 0.23%; 1 homozygote.

Submissions (7):

Labcorp Genetics (formerly Invitae), Labcorp
Classification: Benign. Last evaluated: 2026-01-18. Review status: criteria provided, single submitter. Criteria: Invitae Variant Classification Sherloc (09022015). Collection method: clinical testing. Allele origin: germline.

KCCC/NGS Laboratory, Kuwait Cancer Control Center
Classification: Benign for Maturity-onset diabetes of the young type 3. Last evaluated: 2025-02-01. Review status: criteria provided, single submitter. Criteria: ACMG Guidelines, 2015. Collection method: clinical testing. Allele origin: germline. Affected: no.

Women's Health and Genetics/Laboratory Corporation of America, LabCorp
Classification: Benign. Last evaluated: 2024-12-06. Review status: criteria provided, single submitter. Criteria: LabCorp Variant Classification Summary - May 2015. Collection method: clinical testing. Allele origin: germline.

Blueprint Genetics
Classification: Likely benign. Last evaluated: 2024-01-02. Review status: criteria provided, single submitter. Criteria: ACMG Guidelines, 2015. Collection method: clinical testing. Allele origin: germline.

Clinical Genomics, Uppaluri K&H Personalized Medicine Clinic
Classification: Benign for Maturity-onset diabetes of the young. Review status: criteria provided, single submitter. Criteria: K & H Uppaluri Personalized Medicine Clinic Variant Classification & Assertion Criteria_Updated V.1. Collection method: research. Allele origin: unknown. Inheritance: Autosomal dominant inheritance.
Comment: Mutations in HNF1A gene can predispose to MODY3. It is associated with both micro and macrovascular complications of diabetes, especially cardiovascular complications. Associated with glucosuria. May respond well to sulfonylureas. However, more evidence is required to confer the association of this particular variant rs762555237 with MODY3.

PreventionGenetics, part of Exact Sciences
Classification: Likely benign. Review status: criteria provided, single submitter. Criteria: ACMG Guidelines, 2015. Collection method: clinical testing. Allele origin: germline.

Genetic Services Laboratory, University of Chicago
Classification: Likely benign. Last evaluated: 2022-08-06. Review status: no assertion criteria provided. Collection method: clinical testing. Allele origin: germline. Affected: no. Not counted in ClinVar's aggregate classification.

Literature cited by the submitters: PubMed 31517624 (cited by Clinical Genomics, Uppaluri K&H Personalized Medicine Clinic); PubMed 32395877 (cited by Clinical Genomics, Uppaluri K&H Personalized Medicine Clinic); PubMed 35328643 (cited by Clinical Genomics, Uppaluri K&H Personalized Medicine Clinic); PubMed 35673428 (cited by Clinical Genomics, Uppaluri K&H Personalized Medicine Clinic).

NM_000545.8(HNF1A):c.900C>T (p.Pro300=)

Gene: HNF1A (HNF1 homeobox A; plus strand). Cytogenetic location: 12q24.31.
Variant type: single nucleotide variant.
Coding change: c.900C>T on transcript NM_000545.8 (MANE Select); coding-DNA position 900, C replaced by T.
Protein change: p.Pro300=; no amino-acid change (proline 300 retained).
Molecular consequence: synonymous variant.
Genome position (GRCh38, 1-based): chr12:120,994,350, C>T. VCF-style: chr12-120994350-C-T. GRCh37 (hg19) VCF-style: chr12-121432153-C-T.
Other names: c.900C>T (NM_000545.6); c.900C>T, p.Pro300= (NM_001306179.2).
Identifiers: ClinVar variation 256600 (VCV000256600.14), dbSNP rs762555237, ClinGen allele CA6831864.